The following is an entry in ClinVar:

NR_199791.1(RNU2-2):n.63_64insC

Genes: RNU2-2 (RNA, U2 small nuclear 2; minus strand), WDR74 (WD repeat domain 74; minus strand). Cytogenetic location: 11q12.3.
Variant type: Insertion.
Molecular consequence: non-coding transcript variant (on NR_199791.1). On other transcripts: 5 prime UTR variant (1).
Genome position: GRCh38 VCF-style: chr11-62841746-T-TG. GRCh37 (hg19) VCF-style: chr11-62609218-T-TG.
Other names: c.-476_-475insC (NM_001369451.1).
Identifiers: ClinVar variation 4540488 (VCV004540488.1).

ClinVar aggregate classification (germline): Uncertain significance (1 of 4 stars; one submission).

Submission:

Institute for Human Genetics, University Hospital Essen
Classification: Uncertain significance. Last evaluated: 2025-11-27. Review status: criteria provided, single submitter. Criteria: Submitter's publication. Collection method: clinical testing. Allele origin: de novo. Inheritance: Autosomal unknown. Affected: yes. Observed: 1 variant allele, 1 heterozygote.
Comment: PS2_supp, PM1_supp, PM2_supp (criteria rationale detailed in Leitão et al. Nature Genetics 2026)